The following is an entry in ClinVar:

ClinVar aggregate classification (germline): Uncertain significance (1 of 4 stars; one submission).

Conditions:
Developmental and epileptic encephalopathy, 8 (DEE8). Also called: HYPEREKPLEXIA AND EPILEPSY. Identifiers: Orphanet 163985, Orphanet 2076, MedGen C1845102, MONDO:0010375, OMIM 300607.

Submission:

Labcorp Genetics (formerly Invitae), Labcorp
Classification: Uncertain significance for Developmental and epileptic encephalopathy, 8. Last evaluated: 2022-08-22. Review status: criteria provided, single submitter. Criteria: Invitae Variant Classification Sherloc (09022015). Collection method: clinical testing. Allele origin: germline.
Comment: The ARHGEF9 gene has multiple clinically relevant transcripts. This variant occurs in alternate transcript NM_001173479.1, and corresponds to NM_015185.2:c.-30821A>G in the primary transcript. In summary, the available evidence is currently insufficient to determine the role of this variant in disease. Therefore, it has been classified as a Variant of Uncertain Significance. Experimental studies and prediction algorithms are not available or were not evaluated, and the functional significance of this variant is currently unknown. This variant has not been reported in the literature in individuals affected with ARHGEF9-related conditions. This variant is not present in population databases (gnomAD no frequency). This sequence change replaces arginine, which is basic and polar, with glycine, which is neutral and non-polar, at codon 5 of the ARHGEF9 protein (p.Arg5Gly).

NM_001353921.2(ARHGEF9):c.13A>G (p.Arg5Gly)

Gene: ARHGEF9 (Cdc42 guanine nucleotide exchange factor 9; minus strand). Cytogenetic location: Xq11.1.
Variant type: single nucleotide variant.
Coding change: c.13A>G on transcript NM_001353921.2 (MANE Select); coding-DNA position 13, A replaced by G.
Protein change: p.Arg5Gly; replaces arginine 5 with glycine.
Molecular consequence: missense variant. On other transcripts: 5 prime UTR variant (2).
Genome position (GRCh38, 1-based): chrX:63,785,133, T>C on the plus strand (A>G on the coding strand, the complement: ARHGEF9 is on the minus strand). VCF-style: chrX-63785133-T-C. GRCh37 (hg19) VCF-style: chrX-63005013-T-C.
Other names: c.13A>G, p.Arg5Gly (NM_001173479.2, NM_001353922.2); c.-149A>G (NM_001330495.2, NM_001369043.1); short protein forms R5G.
Identifiers: ClinVar variation 2120616 (VCV002120616.4), dbSNP rs2520345261, ClinGen allele CA413405860.